The following is an entry in ClinVar:

ClinVar aggregate classification (germline): Uncertain significance (1 of 4 stars; one submission).

gnomAD v4.1: 15 of 1,614,150 alleles (0.00093%); highest among the groups gnomAD compares: South Asian, 0.016%; no homozygotes.

Submission:

Labcorp Genetics (formerly Invitae), Labcorp
Classification: Uncertain significance. Last evaluated: 2025-07-29. Review status: criteria provided, single submitter. Criteria: Invitae Variant Classification Sherloc (09022015). Collection method: clinical testing. Allele origin: germline.
Comment: This sequence change replaces lysine, which is basic and polar, with glutamic acid, which is acidic and polar, at codon 831 of the TOPORS protein (p.Lys831Glu). This variant is present in population databases (rs530005708, gnomAD 0.03%). This variant has not been reported in the literature in individuals affected with TOPORS-related conditions. Experimental studies and prediction algorithms are not available or were not evaluated, and the functional significance of this variant is currently unknown. In summary, the available evidence is currently insufficient to determine the role of this variant in disease. Therefore, it has been classified as a Variant of Uncertain Significance.

NM_005802.5(TOPORS):c.2491A>G (p.Lys831Glu)

Gene: TOPORS (TOP1 binding arginine/serine rich protein, E3 ubiquitin ligase; minus strand). Cytogenetic location: 9p21.1.
Variant type: single nucleotide variant.
Coding change: c.2491A>G on transcript NM_005802.5 (MANE Select); coding-DNA position 2491, A replaced by G.
Protein change: p.Lys831Glu; replaces lysine 831 with glutamic acid.
Molecular consequence: missense variant.
Genome position (GRCh38, 1-based): chr9:32,542,034, T>C on the plus strand (A>G on the coding strand, the complement: TOPORS is on the minus strand). VCF-style: chr9-32542034-T-C. GRCh37 (hg19) VCF-style: chr9-32542032-T-C.
Other names: c.2296A>G, p.Lys766Glu (NM_001195622.2); short protein forms K831E, K766E.
Identifiers: ClinVar variation 4768426 (VCV004768426.1).